The following is an entry in ClinVar:

NM_001008537.3(NEXMIF):c.1749del (p.Pro583_Leu584insTer)

Gene: NEXMIF (neurite extension and migration factor; minus strand). Cytogenetic location: Xq13.3.
Variant type: Deletion.
Coding change: c.1749del on transcript NM_001008537.3 (MANE Select); coding-DNA position 1749, one base deleted (C; older notation c.1749delC).
Protein change: p.Pro583_Leu584insTer.
Molecular consequence: frameshift variant.
Genome position (GRCh38, 1-based): chrX:74,742,808, G deleted on the plus strand (C on the coding strand, the reverse complement: NEXMIF is on the minus strand); the first of 3 consecutive G bases (chrX:74,742,808-74,742,810); deleting any one gives the same sequence. VCF-style (leftmost placement, unchanged base first): chrX-74742807-AG-A. GRCh37 (hg19) VCF-style: chrX-73962642-AG-A.
Identifiers: ClinVar variation 4822834 (VCV004822834.4).
Genomic context (GRCh38, chrX:74,742,807, plus strand): 5'-TCTTGATGGAGTCCGTGTTGGTGTTTCTCTGCTTCTTCTTCTTTTGCCAGAAGCCTTTCA[AG>A]GGTGCCAGCTTGGCATATTTGTTGAGCTGATTCTCACTCAAATTCACTGTTGTCTCACTG-3'

ClinVar aggregate classification (germline): Pathogenic (1 of 4 stars; one submission).

Submission:

CeGaT Center for Human Genetics Tuebingen
Classification: Pathogenic. Last evaluated: 2026-01-01. Review status: criteria provided, single submitter. Criteria: CeGaT Center For Human Genetics Tuebingen Variant Classification Criteria Version 2. Collection method: clinical testing. Allele origin: germline. Affected: yes. Observed: 1 variant allele.
Comment: NEXMIF: PVS1, PM2